The following is an entry in ClinVar:

NM_005068.3(SIM1):c.289C>A (p.Pro97Thr)

Gene: SIM1 (SIM bHLH transcription factor 1; minus strand). Cytogenetic location: 6q16.3.
Variant type: single nucleotide variant.
Coding change: c.289C>A on transcript NM_005068.3 (MANE Select); coding-DNA position 289, C replaced by A.
Protein change: p.Pro97Thr; replaces proline 97 with threonine.
Molecular consequence: missense variant.
Genome position (GRCh38, 1-based): chr6:100,450,326, G>T on the plus strand (C>A on the coding strand, the complement: SIM1 is on the minus strand). VCF-style: chr6-100450326-G-T. GRCh37 (hg19) VCF-style: chr6-100898202-G-T.
Other names: c.289C>A, p.Pro97Thr (NM_001374769.1); short protein forms P97T.
Identifiers: ClinVar variation 907036 (VCV000907036.5), dbSNP rs1217153562, ClinGen allele CA365128435.

ClinVar aggregate classification (germline): Uncertain significance. Review status: criteria provided, multiple submitters, no conflicts (2 of 4 stars). 2 submissions from 2 submitters: Uncertain significance (2). Last evaluated 2025-09-29.

Conditions:
Obesity due to SIM1 deficiency. Identifiers: Orphanet 369873, MedGen C5191050, MONDO:0018244.
SIM1-related disorder. Also called: SIM1-related condition; SIM1-related disorders.

Allele frequency attached by ClinVar (database versions not stated): gnomAD exomes below 0.00001 and 0.00001; TOPMed below 0.00001; gnomAD 0.00001.
gnomAD v4.1: 17 of 1,613,914 alleles (0.0011%); highest among the groups gnomAD compares: Non-Finnish European, 0.0014%; no homozygotes.

Submissions (2):

PreventionGenetics, part of Exact Sciences
Classification: Uncertain significance for SIM1-related condition. Last evaluated: 2025-09-29. Review status: criteria provided, single submitter. Criteria: ACMG Guidelines, 2015. Collection method: clinical testing. Allele origin: germline.
Comment: The SIM1 c.289C>A variant is predicted to result in the amino acid substitution p.Pro97Thr. To our knowledge, this variant has not been reported in the literature. This variant is reported in 0.00088% of alleles in individuals of European (Non-Finnish) descent in gnomAD. At this time, the clinical significance of this variant is uncertain due to the absence of conclusive functional and genetic evidence.

Illumina Laboratory Services, Illumina
Classification: Uncertain significance for Obesity due to SIM1 deficiency. Last evaluated: 2018-01-12. Review status: criteria provided, single submitter. Criteria: ICSL Variant Classification Criteria 13 December 2019. Collection method: clinical testing. Allele origin: germline.